The following is an entry in ClinVar:

NM_005618.4(DLL1):c.1526G>A (p.Arg509Gln)

Gene: DLL1 (delta like canonical Notch ligand 1; minus strand). Cytogenetic location: 6q27.
Variant type: single nucleotide variant.
Coding change: c.1526G>A on transcript NM_005618.4 (MANE Select); coding-DNA position 1526, G replaced by A.
Protein change: p.Arg509Gln; replaces arginine 509 with glutamine.
Molecular consequence: missense variant.
Genome position (GRCh38, 1-based): chr6:170,283,753, C>T on the plus strand (G>A on the coding strand, the complement: DLL1 is on the minus strand). VCF-style: chr6-170283753-C-T. GRCh37 (hg19) VCF-style: chr6-170592841-C-T.
Other names: short protein forms R509Q.
Identifiers: ClinVar variation 2171534 (VCV002171534.4), dbSNP rs773731649, ClinGen allele CA4106800.

ClinVar aggregate classification (germline): Uncertain significance (1 of 4 stars; one submission).

Allele frequency attached by ClinVar (database versions not stated): gnomAD 0.00001; gnomAD exomes 0.00001; TOPMed 0.00003; 1000 Genomes Project 30x 0.00016.
gnomAD v4.1: 11 of 1,572,040 alleles (0.0007%); highest among the groups gnomAD compares: East Asian, 0.0047%; no homozygotes.

Submission:

Labcorp Genetics (formerly Invitae), Labcorp
Classification: Uncertain significance. Last evaluated: 2025-11-19. Review status: criteria provided, single submitter. Criteria: Invitae Variant Classification Sherloc (09022015). Collection method: clinical testing. Allele origin: germline.
Comment: This sequence change replaces arginine, which is basic and polar, with glutamine, which is neutral and polar, at codon 509 of the DLL1 protein (p.Arg509Gln). The frequency data for this variant in the population databases is considered unreliable, as metrics indicate poor data quality at this position in the gnomAD database. This variant has not been reported in the literature in individuals affected with DLL1-related conditions. ClinVar contains an entry for this variant (Variation ID: 2171534). An algorithm developed to predict the effect of missense changes on protein structure and function outputs the following: PolyPhen-2: "Benign". The glutamine amino acid residue is found in multiple mammalian species, which suggests that this missense change does not adversely affect protein function. In summary, the available evidence is currently insufficient to determine the role of this variant in disease. Therefore, it has been classified as a Variant of Uncertain Significance.